The following is an entry in ClinVar:

NM_203447.4(DOCK8):c.1004C>T (p.Ser335Leu)

Gene: DOCK8 (dedicator of cytokinesis 8; plus strand). Cytogenetic location: 9p24.3.
Variant type: single nucleotide variant.
Coding change: c.1004C>T on transcript NM_203447.4 (MANE Select); coding-DNA position 1004, C replaced by T.
Protein change: p.Ser335Leu; replaces serine 335 with leucine.
Molecular consequence: missense variant.
Genome position (GRCh38, 1-based): chr9:328,131, C>T. VCF-style: chr9-328131-C-T. GRCh37 (hg19) VCF-style: chr9-328131-C-T.
Other names: c.800C>T, p.Ser267Leu (NM_001190458.2, NM_001193536.2); short protein forms S335L, S267L.
Identifiers: ClinVar variation 392378 (VCV000392378.2), dbSNP rs778329456, ClinGen allele CA4957557.

ClinVar aggregate classification (germline): Uncertain significance (1 of 4 stars; one submission).

Allele frequency attached by ClinVar (database versions not stated): ExAC 0.00001; gnomAD exomes 0.00001.
gnomAD v4.1: 7 of 1,614,172 alleles (0.00043%); highest among the groups gnomAD compares: South Asian, 0.0011%; no homozygotes.

Submission:

GeneDx
Classification: Uncertain significance. Last evaluated: 2017-01-03. Review status: criteria provided, single submitter. Criteria: GeneDx Variant Classification (06012015). Collection method: clinical testing. Allele origin: germline. Affected: yes.
Comment: The S267L variant has not been published as a pathogenic variant, nor has it been reported as a benign variant to our knowledge. The variant was not observed in approximately 6,500 individuals of European and African American ancestry in the NHLBI Exome Sequencing Project, indicating it is not a common benign variant in these populations. S267L is a non-conservative amino acid substitution, which is likely to impact secondary protein structure as these residues differ in polarity, charge, size and/or other properties. This substitution occurs at a position that is conserved across species, and in silico analysis predicts this variant is probably damaging to the protein structure/function. Therefore, based on the currently available information, it is unclear whether this variant is a pathogenic variant or a rare benign variant.